The following is an entry in ClinVar:

NM_003079.5(SMARCE1):c.877G>A (p.Glu293Lys)

Gene: SMARCE1 (SWI/SNF related BAF chromatin remodeling complex subunit E1; minus strand). Cytogenetic location: 17q21.2.
Variant type: single nucleotide variant.
Coding change: c.877G>A on transcript NM_003079.5 (MANE Select); coding-DNA position 877, G replaced by A.
Protein change: p.Glu293Lys; replaces glutamic acid 293 with lysine.
Molecular consequence: missense variant.
Genome position (GRCh38, 1-based): chr17:40,630,864, C>T on the plus strand (G>A on the coding strand, the complement: SMARCE1 is on the minus strand). VCF-style: chr17-40630864-C-T. GRCh37 (hg19) VCF-style: chr17-38787116-C-T.
Other names: short protein forms E293K.
Identifiers: ClinVar variation 3799000 (VCV003799000.1).

ClinVar aggregate classification (germline): Uncertain significance (1 of 4 stars; one submission).

Conditions:
Hereditary cancer-predisposing syndrome. Also called: Neoplastic Syndromes, Hereditary; Hereditary Cancer Syndrome; Tumor predisposition; Hereditary neoplastic syndrome. Identifiers: Orphanet 140162, MedGen C0027672, MeSH D009386, MONDO:0015356.

Submission:

Ambry Genetics
Classification: Uncertain significance for Hereditary cancer-predisposing syndrome. Last evaluated: 2025-01-06. Review status: criteria provided, single submitter. Criteria: Ambry Variant Classification Scheme 2023. Collection method: clinical testing. Allele origin: germline.
Comment: The p.E293K variant (also known as c.877G>A), located in coding exon 9 of the SMARCE1 gene, results from a G to A substitution at nucleotide position 877. The glutamic acid at codon 293 is replaced by lysine, an amino acid with similar properties. This amino acid position is conserved. In addition, the in silico prediction for this alteration is inconclusive. Based on the available evidence, the clinical significance of this variant remains unclear.